The following is an entry in ClinVar:

NM_001100913.3(PACS2):c.766G>A (p.Val256Ile)

Gene: PACS2 (phosphofurin acidic cluster sorting protein 2; plus strand). Cytogenetic location: 14q32.33.
Variant type: single nucleotide variant.
Coding change: c.766G>A on transcript NM_001100913.3 (MANE Select); coding-DNA position 766, G replaced by A.
Protein change: p.Val256Ile; replaces valine 256 with isoleucine.
Molecular consequence: missense variant.
Genome position (GRCh38, 1-based): chr14:105,369,865, G>A. VCF-style: chr14-105369865-G-A. GRCh37 (hg19) VCF-style: chr14-105836202-G-A.
Other names: c.541G>A, p.Val181Ile (NM_001243127.3); c.766G>A, p.Val256Ile (NM_015197.4); short protein forms V181I, V256I.
Identifiers: ClinVar variation 1359522 (VCV001359522.8), dbSNP rs2141161712, ClinGen allele CA391176231.

ClinVar aggregate classification (germline): Uncertain significance (1 of 4 stars; one submission).

Submission:

Labcorp Genetics (formerly Invitae), Labcorp
Classification: Uncertain significance. Last evaluated: 2022-06-13. Review status: criteria provided, single submitter. Criteria: Invitae Variant Classification Sherloc (09022015). Collection method: clinical testing. Allele origin: germline.
Comment: In summary, the available evidence is currently insufficient to determine the role of this variant in disease. Therefore, it has been classified as a Variant of Uncertain Significance. Algorithms developed to predict the effect of missense changes on protein structure and function are either unavailable or do not agree on the potential impact of this missense change (SIFT: "Tolerated"; PolyPhen-2: "Probably Damaging"; Align-GVGD: "Class C0"). This variant has not been reported in the literature in individuals affected with PACS2-related conditions. This variant is not present in population databases (gnomAD no frequency). This sequence change replaces valine, which is neutral and non-polar, with isoleucine, which is neutral and non-polar, at codon 256 of the PACS2 protein (p.Val256Ile).